The following is an entry in ClinVar:

ClinVar aggregate classification (germline): Benign (1 of 4 stars; one submission).

Conditions:
Tuberous sclerosis 1 (TSC1). Identifiers: Orphanet 805, MedGen C1854465, MONDO:0008612, OMIM 191100.

Submission:

Myriad Genetics, Inc.
Classification: Benign for Tuberous sclerosis 1. Last evaluated: 2025-04-28. Review status: criteria provided, single submitter. Criteria: Myriad Autosomal Dominant, Autosomal Recessive and X-Linked Classification Criteria (2023). Collection method: clinical testing. Allele origin: unknown.
Comment: This variant is considered benign. This variant is intronic and is not expected to impact mRNA splicing.

NM_000368.5(TSC1):c.2626-20_2626-19insTA

Gene: TSC1 (TSC complex subunit 1; minus strand). Cytogenetic location: 9q34.13.
Variant type: Insertion.
Coding change: c.2626-20_2626-19insTA on transcript NM_000368.5 (MANE Select); 20 bases into the intron before coding-DNA position 2626 through 19 bases into the intron before coding-DNA position 2626, TA inserted.
Molecular consequence: intron variant.
Genome position: GRCh38 VCF-style: chr9-132897629-A-AAT. GRCh37 (hg19) VCF-style: chr9-135773016-A-AAT.
Other names: c.2260-20_2260-19insTA (NM_001406621.1, NM_001406622.1, NM_001406620.1 and 1 more transcripts); c.2263-20_2263-19insTA (NM_001406617.1, NM_001406619.1, NM_001362177.2 and 4 more transcripts); c.2428-20_2428-19insTA (NM_001406613.1); c.2470-20_2470-19insTA (NM_001406612.1, NM_001406611.1); c.2473-20_2473-19insTA (NM_001406610.1, NM_001162427.2); c.1672-20_1672-19insTA (NM_001406627.1, NM_001406628.1); c.1573-20_1573-19insTA (NM_001406629.1, NM_001406630.1); c.2608-20_2608-19insTA (NM_001406603.1, NM_001406604.1); and 8 more.
Identifiers: ClinVar variation 4071137 (VCV004071137.1).
Genomic context (GRCh38, chr9:132,897,629, plus strand): 5'-TTCTAGCTCTTTCCGATAGGCGGCTTTCATCATTTCTACTTCCTGAAAAAAAAAAAAAAA[A>AAT]AAGACTGGAATTAGTACTTATAAAAAATAAACATGCTGTATCCATTTTGAAAAGACAATG-3'